The following is an entry in ClinVar:

NM_000059.4(BRCA2):c.5657A>G (p.Gln1886Arg)

Gene: BRCA2 (BRCA2 DNA repair associated; plus strand). Cytogenetic location: 13q13.1.
Variant type: single nucleotide variant.
Coding change: c.5657A>G on transcript NM_000059.4 (MANE Select); coding-DNA position 5657, A replaced by G.
Protein change: p.Gln1886Arg; replaces glutamine 1886 with arginine.
Molecular consequence: missense variant.
Genome position (GRCh38, 1-based): chr13:32,340,012, A>G. VCF-style: chr13-32340012-A-G. GRCh37 (hg19) VCF-style: chr13-32914149-A-G.
Other names: c.5657A>G, p.Gln1886Arg (NM_001406719.1, NM_001406720.1); short protein forms Q1886R.
Identifiers: ClinVar variation 1748894 (VCV001748894.4), dbSNP rs2137519595, ClinGen allele CA387786174.

ClinVar aggregate classification (germline): Conflicting classifications of pathogenicity. Review status: criteria provided, conflicting classifications (1 of 4 stars). 2 submissions from 2 submitters: Uncertain significance (1); Likely benign (1). Last evaluated 2023-03-23.

Conditions:
Hereditary cancer-predisposing syndrome. Also called: Hereditary Cancer Syndrome; Hereditary neoplastic syndrome; Neoplastic Syndromes, Hereditary; Tumor predisposition. Identifiers: Orphanet 140162, MedGen C0027672, MeSH D009386, MONDO:0015356.

Submissions (2):

University of Washington Department of Laboratory Medicine, University of Washington
Classification: Likely benign for Hereditary cancer-predisposing syndrome. Last evaluated: 2023-03-23. Review status: criteria provided, single submitter. Criteria: Dines et al. (Genet Med. 2020). Collection method: curation. Allele origin: germline.
Comment: Missense variant in a coldspot region where missense variants are very unlikely to be pathogenic (PMID:31911673).

BRCA2 exon 11 coldspot. Reclassification based on statistical prior probability.

Ambry Genetics
Classification: Uncertain significance for Hereditary cancer-predisposing syndrome. Last evaluated: 2022-07-08. Review status: criteria provided, single submitter. Criteria: Ambry Variant Classification Scheme 2023. Collection method: clinical testing. Allele origin: germline.
Comment: The p.Q1886R variant (also known as c.5657A>G), located in coding exon 10 of the BRCA2 gene, results from an A to G substitution at nucleotide position 5657. The glutamine at codon 1886 is replaced by arginine, an amino acid with highly similar properties. This amino acid position is conserved. In addition, the in silico prediction for this alteration is inconclusive. Since supporting evidence is limited at this time, the clinical significance of this alteration remains unclear.